The following is an entry in ClinVar:

ClinVar aggregate classification (germline): Uncertain significance (1 of 4 stars; one submission).

Submission:

GeneDx
Classification: Uncertain significance. Last evaluated: 2020-01-27. Review status: criteria provided, single submitter. Criteria: GeneDx Variant Classification Process June 2021. Collection method: clinical testing. Allele origin: germline. Affected: yes.
Comment: Not observed in large population cohorts (Lek et al., 2016); In silico analysis, which includes protein predictors and evolutionary conservation, supports a deleterious effect

NM_001999.4(FBN2):c.1607_1609del (p.Val536del)

Gene: FBN2 (fibrillin 2; minus strand). Cytogenetic location: 5q23.3.
Variant type: Deletion.
Coding change: c.1607_1609del on transcript NM_001999.4 (MANE Select); coding-DNA positions 1607 to 1609, 3 bases deleted (TTG; older notation c.1607_1609delTTG).
Protein change: p.Val536del; deletes valine 536.
Molecular consequence: inframe deletion.
Genome position (GRCh38, 1-based): chr5:128,378,885-128,378,887, CAA deleted on the plus strand (TTG on the coding strand, the reverse complement: FBN2 is on the minus strand); deleting any 3 consecutive bases within chr5:128,378,885-128,378,889 gives the same sequence; the c. name uses the placement nearest the transcript's 3' end. VCF-style (leftmost placement, unchanged base first): chr5-128378884-TCAA-T. GRCh37 (hg19) VCF-style: chr5-127714577-TCAA-T.
Other names: c.1607_1609delTTG (NM_001999.3); short protein forms V536del.
Identifiers: ClinVar variation 213383 (VCV000213383.4), dbSNP rs863223594, ClinGen allele CA321013.